The following is an entry in ClinVar:

ClinVar aggregate classification (germline): Uncertain significance (1 of 4 stars; one submission).

Conditions:
Cardiovascular phenotype. Identifiers: MedGen CN230736.

Submission:

Ambry Genetics
Classification: Uncertain significance for Cardiovascular phenotype. Last evaluated: 2025-03-13. Review status: criteria provided, single submitter. Criteria: Ambry Variant Classification Scheme 2023. Collection method: clinical testing. Allele origin: germline.
Comment: The c.5193_5203del11ins11 variant, located in coding exon 34 of the MYH7 gene, results from an in-frame deletion of TGCTGACCTGT and insertion of GTCGGATCTGA at nucleotide positions 5193 to 5203. This results in the substitution of the residues at codons 1731 to 1735. This amino acid positions are not well conserved in available vertebrate species. In addition, this alteration is predicted to be neutral by in silico analysis (Choi Y et al. PLoS ONE. 2012; 7(10):e46688). Based on the available evidence, the clinical significance of this variant remains unclear.

NM_000257.4(MYH7):c.5193_5203delinsGTCGGATCTGA (p.Asp1731_Ser1735delinsGluSerAspLeuThr)

Genes: MHRT (myosin heavy chain associated RNA transcript; plus strand), MYH7 (myosin heavy chain 7; minus strand), LOC126861897 (BRD4-independent group 4 enhancer GRCh37_chr14:23884455-23885654; plus strand). Cytogenetic location: 14q11.2.
Variant type: Indel.
Coding change: c.5193_5203delinsGTCGGATCTGA on transcript NM_000257.4 (MANE Select); coding-DNA positions 5193 to 5203, TGCTGACCTGT replaced by GTCGGATCTGA.
Protein change: p.Asp1731_Ser1735delinsGluSerAspLeuThr.
Molecular consequence: missense variant. On other transcripts: non-coding transcript variant (1).
Genome position (GRCh38, 1-based): chr14:23,415,461-23,415,471, ACAGGTCAGCA replaced by TCAGATCCGAC on the plus strand (TGCTGACCTGT replaced by GTCGGATCTGA on the coding strand, the reverse complement: MYH7 is on the minus strand). VCF-style: chr14-23415461-ACAGGTCAGCA-TCAGATCCGAC. GRCh37 (hg19) VCF-style: chr14-23884670-ACAGGTCAGCA-TCAGATCCGAC.
Other names: c.5193_5203delinsGTCGGATCTGA, p.Asp1731_Ser1735delinsGluSerAspLeuThr (NM_001407004.1); c.5193_5203del11insGTCGGATCTGA (NM_000257.4).
Identifiers: ClinVar variation 3876498 (VCV003876498.1).